The following is an entry in ClinVar:

ClinVar aggregate classification (germline): Pathogenic (1 of 4 stars; one submission).

Conditions:
Glycine encephalopathy 1 (GCE1). Identifiers: MedGen CN376801, MONDO:0958179, OMIM 605899.

Submission:

Myriad Genetics, Inc.
Classification: Pathogenic for Glycine encephalopathy 1. Last evaluated: 2025-07-26. Review status: criteria provided, single submitter. Criteria: Myriad Autosomal Dominant, Autosomal Recessive and X-Linked Classification Criteria (2023). Collection method: clinical testing. Allele origin: unknown.
Comment: NM_000170.2(GLDC):c.2108_2109delATinsTGG(N703Mfs*5) is expected to be pathogenic in the context of glycine encephalopathy, GLDC-related. This variant is predicted to lead to an abnormal or absent protein product due to the creation of a premature termination codon in GLDC, a gene where loss-of-function variants are known to be pathogenic. Please note: this variant was assessed in the context of healthy population screening.

NM_000170.3(GLDC):c.2108_2109delinsTGG (p.Asn703fs)

Gene: GLDC (glycine decarboxylase; minus strand). Cytogenetic location: 9p24.1.
Variant type: Indel.
Coding change: c.2108_2109delinsTGG on transcript NM_000170.3 (MANE Select); coding-DNA positions 2108 to 2109, AT replaced by TGG.
Protein change: p.Asn703fs; shifts the reading frame from asparagine 703.
Molecular consequence: frameshift variant.
Genome position (GRCh38, 1-based): chr9:6,556,246-6,556,247, AT replaced by CCA on the plus strand (AT replaced by TGG on the coding strand, the reverse complement: GLDC is on the minus strand). VCF-style: chr9-6556246-AT-CCA. GRCh37 (hg19) VCF-style: chr9-6556246-AT-CCA.
Other names: short protein forms N703fs.
Identifiers: ClinVar variation 5014776 (VCV005014776.1).